The following is an entry in ClinVar:

ClinVar aggregate classification (germline): Uncertain significance (1 of 4 stars; one submission).

gnomAD v4.1: 1 of 1,614,206 alleles (0.000062%); highest among the groups gnomAD compares: African/African-American, 0.0013%; no homozygotes.

Submission:

Ambry Genetics
Classification: Uncertain significance. Last evaluated: 2024-10-29. Review status: criteria provided, single submitter. Criteria: Ambry Variant Classification Scheme 2023. Collection method: clinical testing. Allele origin: germline.
Comment: The p.R172P variant (also known as c.515G>C), located in coding exon 7 of the RAD54L gene, results from a G to C substitution at nucleotide position 515. The arginine at codon 172 is replaced by proline, an amino acid with dissimilar properties. This amino acid position is conserved. In addition, this alteration is predicted to be deleterious by in silico analysis. Based on the available evidence, the clinical significance of this variant remains unclear.

NM_003579.4(RAD54L):c.515G>C (p.Arg172Pro)

Gene: RAD54L (RAD54 like; plus strand). Cytogenetic location: 1p34.1.
Variant type: single nucleotide variant.
Coding change: c.515G>C on transcript NM_003579.4 (MANE Select); coding-DNA position 515, G replaced by C.
Protein change: p.Arg172Pro; replaces arginine 172 with proline.
Molecular consequence: missense variant. On other transcripts: 5 prime UTR variant (1).
Genome position (GRCh38, 1-based): chr1:46,260,764, G>C. VCF-style: chr1-46260764-G-C. GRCh37 (hg19) VCF-style: chr1-46726436-G-C.
Other names: c.515G>C, p.Arg172Pro (NM_001142548.2); c.-26G>C (NM_001370766.1); short protein forms R172P.
Identifiers: ClinVar variation 3429784 (VCV003429784.1).